The following is an entry in ClinVar:

ClinVar aggregate classification (germline): Likely pathogenic. Review status: criteria provided, multiple submitters, no conflicts (2 of 4 stars). 2 submissions from 2 submitters: Likely pathogenic (2). Last evaluated 2025-10-29.

Conditions:
Niemann-Pick disease, type B. Also called: Chronic Visceral ASMD (Niemann-Pick Disease Type B; NPD-B). Identifiers: Orphanet 77293, MedGen C0268243, MONDO:0011871, OMIM 607616. Disease mechanism: loss of function.
Niemann-Pick disease, type A. Also called: Infantile Neurovisceral ASMD (Niemann-Pick Disease Type A; NPD-A); SPHINGOMYELIN LIPIDOSIS; SPHINGOMYELINASE DEFICIENCY. Identifiers: Orphanet 77292, MedGen C0268242, MONDO:0009756, OMIM 257200. Disease mechanism: loss of function.

Allele frequency attached by ClinVar (database versions not stated): gnomAD exomes below 0.00001 and 0.00001; TOPMed below 0.00001; ExAC 0.00001; gnomAD 0.00001.

Submissions (2):

Labcorp Genetics (formerly Invitae), Labcorp
Classification: Likely pathogenic for Niemann-Pick disease, type B; Niemann-Pick disease, type A. Last evaluated: 2025-10-29. Review status: criteria provided, single submitter. Criteria: Invitae Variant Classification Sherloc (09022015). Collection method: clinical testing. Allele origin: germline.
Comment: This sequence change replaces cysteine, which is neutral and slightly polar, with arginine, which is basic and polar, at codon 433 of the SMPD1 protein (p.Cys433Arg). This variant is present in population databases (rs779528546, gnomAD 0.0009%). This missense change has been observed in individual(s) with SMPD1-related conditions (PMID: 12369017, 27338287). This variant is also known as C431R. ClinVar contains an entry for this variant (Variation ID: 813420). Invitae Evidence Modeling of protein sequence and biophysical properties (such as structural, functional, and spatial information, amino acid conservation, physicochemical variation, residue mobility, and thermodynamic stability) indicates that this missense variant is expected to disrupt SMPD1 protein function with a positive predictive value of 95%. In summary, the currently available evidence indicates that the variant is pathogenic, but additional data are needed to prove that conclusively. Therefore, this variant has been classified as Likely Pathogenic.

Baylor Genetics
Classification: Likely pathogenic for Niemann-Pick disease, type A. Review status: criteria provided, single submitter. Criteria: ACMG Guidelines, 2015. Collection method: clinical testing. Allele origin: germline.

Literature cited by the submitters: PubMed 12369017 (cited by Labcorp Genetics (formerly Invitae), Labcorp); PubMed 27338287 (cited by Labcorp Genetics (formerly Invitae), Labcorp).

NM_000543.5(SMPD1):c.1297T>C (p.Cys433Arg)

Gene: SMPD1 (sphingomyelin phosphodiesterase 1; plus strand). Cytogenetic location: 11p15.4.
Variant type: single nucleotide variant.
Coding change: c.1297T>C on transcript NM_000543.5 (MANE Select); coding-DNA position 1297, T replaced by C.
Protein change: p.Cys433Arg; replaces cysteine 433 with arginine.
Molecular consequence: missense variant. On other transcripts: non-coding transcript variant (2).
Genome position (GRCh38, 1-based): chr11:6,393,650, T>C. VCF-style: chr11-6393650-T-C. GRCh37 (hg19) VCF-style: chr11-6414880-T-C.
Other names: c.1294T>C, p.Cys432Arg (NM_001007593.3); c.1297T>C, p.Cys433Arg (NM_001318087.2); c.376T>C, p.Cys126Arg (NM_001318088.2); c.1165T>C, p.Cys389Arg (NM_001365135.2); short protein forms C389R, C433R, C126R, C432R.
Identifiers: ClinVar variation 813420 (VCV000813420.6), dbSNP rs779528546, ClinGen allele CA5852850.